The following is an entry in ClinVar:

NM_004646.4(NPHS1):c.1767_1773del (p.Val590fs)

Gene: NPHS1 (NPHS1 adhesion molecule, nephrin; minus strand). Cytogenetic location: 19q13.12.
Variant type: Deletion.
Coding change: c.1767_1773del on transcript NM_004646.4 (MANE Select); coding-DNA positions 1767 to 1773, 7 bases deleted (CGTGGCC; older notation c.1767_1773delCGTGGCC).
Protein change: p.Val590fs; shifts the reading frame from valine 590.
Molecular consequence: frameshift variant.
Genome position (GRCh38, 1-based): chr19:35,845,525-35,845,531, GGCCACG deleted on the plus strand (CGTGGCC on the coding strand, the reverse complement: NPHS1 is on the minus strand). VCF-style (leftmost placement, unchanged base first): chr19-35845524-CGGCCACG-C. GRCh37 (hg19) VCF-style: chr19-36336426-CGGCCACG-C.
Other names: short protein forms V590fs.
Identifiers: ClinVar variation 5015257 (VCV005015257.1).

ClinVar aggregate classification (germline): Pathogenic (1 of 4 stars; one submission).

Conditions:
Finnish congenital nephrotic syndrome (NPHS1). Also called: NEPHROTIC SYNDROME, TYPE 1. Identifiers: Orphanet 839, MedGen C0403399, MONDO:0009732, OMIM 256300.

Submission:

Myriad Genetics, Inc.
Classification: Pathogenic for Finnish congenital nephrotic syndrome. Last evaluated: 2025-11-23. Review status: criteria provided, single submitter. Criteria: Myriad Autosomal Dominant, Autosomal Recessive and X-Linked Classification Criteria (2023). Collection method: clinical testing. Allele origin: unknown.
Comment: NM_004646.3(NPHS1):c.1767_1773del7(V590Pfs*30) is expected to be pathogenic in the context of nephrotic syndrome, NPHS1-related. This variant is predicted to lead to an abnormal or absent protein product due to the creation of a premature termination codon in NPHS1, a gene where loss-of-function variants are known to be pathogenic. Please note: this variant was assessed in the context of healthy population screening.